The following is an entry in ClinVar:

ClinVar aggregate classification (germline): Uncertain significance (1 of 4 stars; one submission).

gnomAD v4.1: 3 of 1,613,324 alleles (0.00019%); highest among the groups gnomAD compares: Non-Finnish European, 0.00017%; no homozygotes.

Submission:

Labcorp Genetics (formerly Invitae), Labcorp
Classification: Uncertain significance. Last evaluated: 2025-11-01. Review status: criteria provided, single submitter. Criteria: Invitae Variant Classification Sherloc (09022015). Collection method: clinical testing. Allele origin: germline.
Comment: This sequence change falls in intron 5 of the MYO7A gene. It does not directly change the encoded amino acid sequence of the MYO7A protein. It affects a nucleotide within the consensus splice site. This variant is present in population databases (rs782589007, gnomAD 0.0009%). This variant has not been reported in the literature in individuals affected with MYO7A-related conditions. Variants that disrupt the consensus splice site are a relatively common cause of aberrant splicing (PMID: 17576681, 9536098). Algorithms developed to predict the effect of sequence changes on RNA splicing suggest that this variant is not likely to affect RNA splicing. In summary, the available evidence is currently insufficient to determine the role of this variant in disease. Therefore, it has been classified as a Variant of Uncertain Significance.

Literature cited by the submitters: PubMed 17576681; PubMed 9536098.

NM_000260.4(MYO7A):c.470+4G>C

Gene: MYO7A (myosin VIIA; plus strand). Cytogenetic location: 11q13.5.
Variant type: single nucleotide variant.
Coding change: c.470+4G>C on transcript NM_000260.4 (MANE Select); 4 bases into the intron after coding-DNA position 470, G replaced by C.
Molecular consequence: intron variant.
Genome position (GRCh38, 1-based): chr11:77,156,095, G>C. VCF-style: chr11-77156095-G-C. GRCh37 (hg19) VCF-style: chr11-76867141-G-C.
Other names: c.437+4G>C (NM_001369365.1); c.470+4G>C (NM_001127180.2).
Identifiers: ClinVar variation 4769651 (VCV004769651.1).